The following is an entry in ClinVar:

NM_032119.4(ADGRV1):c.13156del (p.Val4386fs)

Gene: ADGRV1 (adhesion G protein-coupled receptor V1; plus strand). Cytogenetic location: 5q14.3.
Variant type: Deletion.
Coding change: c.13156del on transcript NM_032119.4 (MANE Select); coding-DNA position 13156, one base deleted (G; older notation c.13156delG).
Protein change: p.Val4386fs; shifts the reading frame from valine 4386.
Molecular consequence: frameshift variant. On other transcripts: non-coding transcript variant (1).
Genome position (GRCh38, 1-based): chr5:90,781,503, G deleted. VCF-style (leftmost placement, unchanged base first): chr5-90781502-TG-T. GRCh37 (hg19) VCF-style: chr5-90077319-TG-T.
Other names: c.13156delG (NM_032119.3); short protein forms V4386fs.
Identifiers: ClinVar variation 2445908 (VCV002445908.1), dbSNP rs2531901971, ClinGen allele CA2580073762.

ClinVar aggregate classification (germline): Likely pathogenic (1 of 4 stars; one submission).

Conditions:
Usher syndrome. Also called: Usher Syndromes; Usher's syndrome. Identifiers: Orphanet 886, MedGen CN469326, MeSH D052245, MONDO:0019501. Disease mechanism: loss of function.

Submission:

Women's Health and Genetics/Laboratory Corporation of America, LabCorp
Classification: Likely pathogenic for Retinitis pigmentosa-deafness syndrome. Last evaluated: 2023-02-19. Review status: criteria provided, single submitter. Criteria: LabCorp Variant Classification Summary - May 2015. Collection method: clinical testing. Allele origin: germline.
Comment: Variant summary: ADGRV1 c.13156delG (p.Val4386PhefsX4) results in a premature termination codon, predicted to cause a truncation of the encoded protein or absence of the protein due to nonsense mediated decay, which are commonly known mechanisms for disease. Truncations downstream of this position have been classified as pathogenic by our laboratory and in ClinVar. The variant was absent in 245432 control chromosomes (gnomAD). To our knowledge, no occurrence of c.13156delG in individuals affected with Usher Syndrome and no experimental evidence demonstrating its impact on protein function have been reported. No clinical diagnostic laboratories have submitted clinical-significance assessments for this variant to ClinVar after 2014. Based on the evidence outlined above, the variant was classified as likely pathogenic.